The following is an entry in ClinVar:

ClinVar aggregate classification (germline): Pathogenic. Review status: criteria provided, multiple submitters, no conflicts (2 of 4 stars). 4 submissions from 4 submitters: Pathogenic (3). 1 of the submissions does not count toward it. Last evaluated 2026-01-26.

Conditions:
Familial thoracic aortic aneurysm and aortic dissection (TAAD). Also called: Thoracic aortic aneurysms and dissections. Identifiers: Orphanet 91387, MedGen C4707243, MONDO:0019625.
Marfan syndrome (MFS). Also called: Marfan syndrome type 1; Marfan syndrome, classic; Marfan's syndrome; FBN1-Related Marfan Syndrome; MARFAN SYNDROME, TYPE I. Identifiers: Orphanet 284963, Orphanet 558, MedGen C0024796, MONDO:0007947, OMIM 154700.
Marfan Syndrome/Loeys-Dietz Syndrome/Familial Thoracic Aortic Aneurysms and Dissections. Identifiers: MedGen CN229799.

Submissions (4):

Women's Health and Genetics/Laboratory Corporation of America, LabCorp
Classification: Pathogenic for Marfan Syndrome/Loeys-Dietz Syndrome/Familial Thoracic Aortic Aneurysms and Dissections. Last evaluated: 2026-01-26. Review status: criteria provided, single submitter. Criteria: LabCorp Variant Classification Summary - May 2015. Collection method: clinical testing. Allele origin: germline.
Comment: Variant summary: FBN1 c.2777G>A (p.Cys926Tyr) results in a non-conservative amino acid change in the encoded protein sequence. Algorithms developed to predict the effect of missense changes on protein structure and function all suggest that this variant is likely to be disruptive. The variant was absent in 251424 control chromosomes. c.2777G>A has been observed in individual(s) affected with Marfan Syndrome (example: Ganesh_2006, Baetens_2011, Fernandez-Alvarez_2022). This variant affects a cysteine residue located within an epidermal-growth-factor (EGF)like domain of the FBN1 protein. Cysteine residues in these domains have been shown to be involved in the formation of disulfide bridges, which are critical for FBN1 protein structure and stability (PMID: 10486319, 3495735, 4750422, 16677079). These data indicate that the variant is likely to be associated with disease. The following publications have been ascertained in the context of this evaluation (PMID: 21542060, 33910934, 16476890). ClinVar contains an entry for this variant (Variation ID: 527216). Based on the evidence outlined above, the variant was classified as pathogenic.

Centre of Medical Genetics, University of Antwerp
Classification: Pathogenic for Marfan syndrome. Last evaluated: 2021-03-01. Review status: criteria provided, single submitter. Criteria: Submitter's publication. Collection method: research. Allele origin: unknown. Affected: yes. Observed: 2 variant alleles.
Comment: PM2, PVS2, PP4

Labcorp Genetics (formerly Invitae), Labcorp
Classification: Pathogenic for Marfan syndrome; Familial thoracic aortic aneurysm and aortic dissection. Last evaluated: 2017-11-02. Review status: criteria provided, single submitter. Criteria: Invitae Variant Classification Sherloc (09022015). Collection method: clinical testing. Allele origin: germline.
Comment: This variant affects a cysteine residue located within an epidermal-growth-factor (EGF)–like domain of the FBN1 protein. Cysteine residues in these domains have been shown to be involved in the formation of disulfide bridges, which are critical for FBN1 protein structure and stability (PMID: 10486319, 3495735, 4750422, 16677079). In addition, missense substitutions within the FBN1 EGF-like domains affecting cysteine residues are significantly overrepresented among patients with Marfan syndrome (PMID: 16571647, 17701892). For these reasons, this variant has been classified as Pathogenic. This variant has been reported in several individuals affected with Marfan syndrome (PMID: 16476890, 21542060). This variant is not present in population databases (ExAC no frequency). This sequence change replaces cysteine with tyrosine at codon 926 of the FBN1 protein (p.Cys926Tyr). The cysteine residue is highly conserved and there is a large physicochemical difference between cysteine and tyrosine.

Center for Medical Genetics Ghent, University of Ghent
Classification: Pathogenic for Marfan syndrome. Last evaluated: 2017-11-07. Review status: no assertion criteria provided. Collection method: clinical testing. Allele origin: germline. Affected: yes. Not counted in ClinVar's aggregate classification.

Literature cited by the submitters: PubMed 21542060 (cited by Women's Health and Genetics/Laboratory Corporation of America, LabCorp and Labcorp Genetics (formerly Invitae), Labcorp); PubMed 16476890 (cited by Women's Health and Genetics/Laboratory Corporation of America, LabCorp and Labcorp Genetics (formerly Invitae), Labcorp); PubMed 33910934 (cited by Women's Health and Genetics/Laboratory Corporation of America, LabCorp); PubMed 10486319 (cited by Labcorp Genetics (formerly Invitae), Labcorp); PubMed 3495735 (cited by Labcorp Genetics (formerly Invitae), Labcorp); PubMed 4750422 (cited by Labcorp Genetics (formerly Invitae), Labcorp); PubMed 16677079 (cited by Labcorp Genetics (formerly Invitae), Labcorp); PubMed 16571647 (cited by Labcorp Genetics (formerly Invitae), Labcorp); PubMed 17701892 (cited by Labcorp Genetics (formerly Invitae), Labcorp).

NM_000138.5(FBN1):c.2777G>A (p.Cys926Tyr)

Gene: FBN1 (fibrillin 1; minus strand). Cytogenetic location: 15q21.1.
Variant type: single nucleotide variant.
Coding change: c.2777G>A on transcript NM_000138.5 (MANE Select); coding-DNA position 2777, G replaced by A.
Protein change: p.Cys926Tyr; replaces cysteine 926 with tyrosine.
Molecular consequence: missense variant.
Genome position (GRCh38, 1-based): chr15:48,492,538, C>T on the plus strand (G>A on the coding strand, the complement: FBN1 is on the minus strand). VCF-style: chr15-48492538-C-T. GRCh37 (hg19) VCF-style: chr15-48784735-C-T.
Other names: short protein forms C926Y.
Identifiers: ClinVar variation 527216 (VCV000527216.26), dbSNP rs1555398989, ClinGen allele CA392330722.
Genomic context (GRCh38, chr15:48,492,538, plus strand): 5'-GTGGCATCCAAAGTCATTCCACTGGGACACTGACACTTGAATGACCCCCTAGTGTTAACA[C>T]ACAGGCCATTTTTACACACTCCTGGGAACACTTCACATTCATCTATATCTAAAAAGAAAA-3'
Protein context (NP_000129.3, residues 916-936): VFPGVCKNGL[Cys926Tyr]VNTRGSFKCQ